The following is an entry in ClinVar:

7q31.2-q32, 14 Mb deletion

Gene: FOXP2 (forkhead box P2; plus strand). Cytogenetic location: 7q31.1.
Variant type: Deletion.
Identifiers: ClinVar variation 242967 (VCV000242967.1).

ClinVar aggregate classification (germline): Pathogenic (0 of 4 stars; one submission).

Conditions:
Childhood apraxia of speech (SPCH1). Also called: Speech language disorder; DEVELOPMENTAL VERBAL DYSPRAXIA; SPEECH AND LANGUAGE DISORDER WITH OROFACIAL DYSPRAXIA; FOXP2-Related Speech and Language Disorder. Identifiers: Orphanet 209908, MedGen C0750927, MONDO:0011184, OMIM 602081.

Submission:

GeneReviews
Classification: Pathogenic for Childhood apraxia of speech. Last evaluated: 2016-03-02. Review status: no assertion criteria provided. Collection method: literature only. Allele origin: germline. Affected: yes. Observed: 1 variant allele.
Comment: Speech: Severe dyspraxia Language: Language delay

Literature cited by the submitters: PubMed 17033973.